The following is an entry in ClinVar:

ClinVar aggregate classification (germline): Uncertain significance. Review status: criteria provided, multiple submitters, no conflicts (2 of 4 stars). 4 submissions from 4 submitters: Uncertain significance (4). Last evaluated 2026-05-04.

Conditions:
ABCA4-related disorder. Also called: ABCA4-related disorders; ABCA4-related condition. Identifiers: MedGen CN239167.

Submissions (4):

PreventionGenetics, part of Exact Sciences
Classification: Uncertain significance for ABCA4-related condition. Last evaluated: 2026-05-04. Review status: criteria provided, single submitter. Criteria: ACMG Guidelines, 2015. Collection method: clinical testing. Allele origin: germline.
Comment: The ABCA4 c.2782G>T variant is predicted to result in the amino acid substitution p.Gly928Trp. This variant has been reported at least one individual with ABCA4-related retinal disease (Supplemental Table 1, Schindler et al. 2010. PubMed ID: 20647261; Supplemental Table 1, Fenner et al. 2024. PubMed ID: 38309476). This variant has not been reported in a large population database (gnomAD), indicating this variant is rare. At this time, the clinical significance of this variant is uncertain due to the absence of conclusive functional and genetic evidence.

Labcorp Genetics (formerly Invitae), Labcorp
Classification: Uncertain significance. Last evaluated: 2025-05-14. Review status: criteria provided, single submitter. Criteria: Invitae Variant Classification Sherloc (09022015). Collection method: clinical testing. Allele origin: germline.
Comment: This sequence change replaces glycine, which is neutral and non-polar, with tryptophan, which is neutral and slightly polar, at codon 928 of the ABCA4 protein (p.Gly928Trp). This variant is not present in population databases (gnomAD no frequency). This missense change has been observed in individual(s) with Stargardt disease (PMID: 20647261). ClinVar contains an entry for this variant (Variation ID: 92865). Invitae Evidence Modeling of protein sequence and biophysical properties (such as structural, functional, and spatial information, amino acid conservation, physicochemical variation, residue mobility, and thermodynamic stability) indicates that this missense variant is expected to disrupt ABCA4 protein function with a positive predictive value of 95%. In summary, the available evidence is currently insufficient to determine the role of this variant in disease. Therefore, it has been classified as a Variant of Uncertain Significance.

Blueprint Genetics
Classification: Uncertain significance. Last evaluated: 2018-11-13. Review status: criteria provided, single submitter. Criteria: ACMG Guidelines, 2015. Collection method: clinical testing. Allele origin: germline.

Eurofins Ntd Llc (ga)
Classification: Uncertain significance. Last evaluated: 2013-08-14. Review status: criteria provided, single submitter. Criteria: EGL Classification Definitions 2015. Collection method: clinical testing. Allele origin: germline. Observed: 1 variant allele, 1 heterozygote.

Literature cited by the submitters: PubMed 20647261 (cited by Labcorp Genetics (formerly Invitae), Labcorp).

NM_000350.3(ABCA4):c.2782G>T (p.Gly928Trp)

Gene: ABCA4 (ATP binding cassette subfamily A member 4; minus strand). Cytogenetic location: 1p22.1.
Variant type: single nucleotide variant.
Coding change: c.2782G>T on transcript NM_000350.3 (MANE Select); coding-DNA position 2782, G replaced by T.
Protein change: p.Gly928Trp; replaces glycine 928 with tryptophan.
Molecular consequence: missense variant.
Genome position (GRCh38, 1-based): chr1:94,047,055, C>A on the plus strand (G>T on the coding strand, the complement: ABCA4 is on the minus strand). VCF-style: chr1-94047055-C-A. GRCh37 (hg19) VCF-style: chr1-94512611-C-A.
Other names: c.2560G>T, p.Gly854Trp (NM_001425324.1); short protein forms G928W, G854W.
Identifiers: ClinVar variation 92865 (VCV000092865.15), dbSNP rs398123337, ClinGen allele CA220679.